The following is an entry in ClinVar:

NM_025233.7(COASY):c.275C>A (p.Thr92Asn)

Gene: COASY (Coenzyme A synthase; plus strand). Cytogenetic location: 17q21.2.
Variant type: single nucleotide variant.
Coding change: c.275C>A on transcript NM_025233.7 (MANE Select); coding-DNA position 275, C replaced by A.
Protein change: p.Thr92Asn; replaces threonine 92 with asparagine.
Molecular consequence: missense variant.
Genome position (GRCh38, 1-based): chr17:42,562,897, C>A. VCF-style: chr17-42562897-C-A. GRCh37 (hg19) VCF-style: chr17-40714915-C-A.
Other names: c.275C>A, p.Thr92Asn (NM_001042529.3); c.362C>A, p.Thr121Asn (NM_001042532.4); short protein forms T121N, T92N.
Identifiers: ClinVar variation 1374368 (VCV001374368.6), dbSNP rs2143193881, ClinGen allele CA399617290.
Genomic context (GRCh38, chr17:42,562,897, plus strand): 5'-ATGCTGGCGCCGACGTCCACAGGCACTTGGACGTCAGAATCCTACTGACCAATATCCGAA[C>A]CAAGAGCACCTTTCTCCCTCCCCTGCCCACCTCAGTCCAGAATCTCGCCCACCCGCCAGA-3'
Protein context (NP_079509.5, residues 82-102): DVRILLTNIR[Thr92Asn]KSTFLPPLPT

ClinVar aggregate classification (germline): Uncertain significance (1 of 4 stars; one submission).

Conditions:
Neurodegeneration with brain iron accumulation 6 (NBIA6). Also called: COASY protein-associated neurodegeneration. Identifiers: Orphanet 397725, MedGen C4517377, MONDO:0014290, OMIM 615643.

Allele frequency attached by ClinVar (database versions not stated): gnomAD exomes below 0.00001.
gnomAD v4.1: 1 of 1,611,382 alleles (0.000062%); highest among the groups gnomAD compares: Non-Finnish European, 0.000085%; no homozygotes.

Submission:

Labcorp Genetics (formerly Invitae), Labcorp
Classification: Uncertain significance for Neurodegeneration with brain iron accumulation 6. Last evaluated: 2021-12-02. Review status: criteria provided, single submitter. Criteria: Invitae Variant Classification Sherloc (09022015). Collection method: clinical testing. Allele origin: germline.
Comment: This variant has not been reported in the literature in individuals affected with COASY-related conditions. In summary, the available evidence is currently insufficient to determine the role of this variant in disease. Therefore, it has been classified as a Variant of Uncertain Significance. Algorithms developed to predict the effect of missense changes on protein structure and function (SIFT, PolyPhen-2, Align-GVGD) all suggest that this variant is likely to be tolerated. This variant is not present in population databases (gnomAD no frequency). This sequence change replaces threonine, which is neutral and polar, with asparagine, which is neutral and polar, at codon 92 of the COASY protein (p.Thr92Asn).